The following is an entry in ClinVar:

NM_000492.4(CFTR):c.3874-103del

Gene: CFTR (CF transmembrane conductance regulator; plus strand). Cytogenetic location: 7q31.2.
Variant type: Deletion.
Coding change: c.3874-103del on transcript NM_000492.4 (MANE Select); 103 bases into the intron before coding-DNA position 3874, one base deleted (T; older notation c.3874-103delT).
Molecular consequence: intron variant.
Genome position (GRCh38, 1-based): chr7:117,652,739, T deleted; the last of 4 consecutive T bases (chr7:117,652,736-117,652,739); deleting any one gives the same sequence. VCF-style (leftmost placement, unchanged base first): chr7-117652735-AT-A. GRCh37 (hg19) VCF-style: chr7-117292789-AT-A.
Other names: c.3874-103delT (NM_000492.3).
Identifiers: ClinVar variation 495936 (VCV000495936.1), dbSNP rs1282290289, ClinGen allele CA457229653.

ClinVar aggregate classification (germline): Uncertain significance (1 of 4 stars; one submission).

Submission:

Women's Health and Genetics/Laboratory Corporation of America, LabCorp
Classification: Uncertain significance. Last evaluated: 2017-04-03. Review status: criteria provided, single submitter. Criteria: LabCorp Variant Classification Summary - May 2015. Collection method: clinical testing. Allele origin: germline.
Comment: Variant summary: The CFTR c.3874-103delT variant involves the alteration of a non-conserved intronic nucleotide. One in silico tool predicts a benign outcome for this variant. 5/5 splice prediction tools predict no significant impact on normal splicing and ESE Finder predicts no significant change in ESE sites at the locus. However, these predictions have yet to be confirmed by functional studies. The variant of interest was observed in the large, broad control population that contains ExAC data and additional whole genome sequences, gnomAD, with an allele frequency of 3/30902, which does not exceed the estimated maximal expected allele frequency of a pathogenic CFTR variant (0.0062697). However, this observation in gnomAD needs to be cautiously considered due to the site being indicated as a "low-quality site," in addition, the LCA VSG has yet to validate this database as of yet. To our knowledge, the variant of interest has not been reported in affected individuals via publications or clinical diagnostic laboratories, nor has it been evaluated for functional impact by in vivo/vitro studies. A reputable database does cite the variant and indicates that the variant is a "he presumed polymorphism was detected by SSCP/heteroduplex analysis and characterised by direct sequencing. It has not been observed previously on over 100 non-[delta]F508 CF chromosomes. This change is highly likely to be a polymorphism." Because of the absence of clinical information and the lack of functional studies, the variant is classified as a "Variant of Uncertain Significance (VUS)," until additional information becomes available.